The following is an entry in ClinVar:

ClinVar aggregate classification (germline): Uncertain significance (1 of 4 stars; one submission).

Conditions:
Inborn genetic diseases. Identifiers: MedGen C0950123, MeSH D030342.

Submission:

Ambry Genetics
Classification: Uncertain significance for Inborn genetic diseases. Last evaluated: 2025-06-11. Review status: criteria provided, single submitter. Criteria: Ambry Variant Classification Scheme 2023. Collection method: clinical testing. Allele origin: germline.
Comment: The p.I335T variant (also known as c.1004T>C), located in coding exon 5 of the ETV6 gene, results from a T to C substitution at nucleotide position 1004. The isoleucine at codon 335 is replaced by threonine, an amino acid with similar properties. This amino acid position is highly conserved in available vertebrate species. In addition, the in silico prediction for this alteration is inconclusive. Based on the available evidence, the clinical significance of this variant remains unclear.

NM_001987.5(ETV6):c.1004T>C (p.Ile335Thr)

Gene: ETV6 (ETS variant transcription factor 6; plus strand). Cytogenetic location: 12p13.2.
Variant type: single nucleotide variant.
Coding change: c.1004T>C on transcript NM_001987.5 (MANE Select); coding-DNA position 1004, T replaced by C.
Protein change: p.Ile335Thr; replaces isoleucine 335 with threonine.
Molecular consequence: missense variant.
Genome position (GRCh38, 1-based): chr12:11,869,964, T>C. VCF-style: chr12-11869964-T-C. GRCh37 (hg19) VCF-style: chr12-12022898-T-C.
Other names: c.1001T>C, p.Ile334Thr (NM_001413913.1); c.977T>C, p.Ile326Thr (NM_001413914.1); c.740T>C, p.Ile247Thr (NM_001413915.1); c.1004T>C, p.Ile335Thr (NM_001413916.1, NM_001413917.1); short protein forms I335T, I247T, I326T, I334T.
Identifiers: ClinVar variation 4020112 (VCV004020112.1).